The following is an entry in ClinVar:

NM_000179.3(MSH6):c.2248A>C (p.Thr750Pro)

Gene: MSH6 (mutS homolog 6; plus strand). Cytogenetic location: 2p16.3.
Variant type: single nucleotide variant.
Coding change: c.2248A>C on transcript NM_000179.3 (MANE Select); coding-DNA position 2248, A replaced by C.
Protein change: p.Thr750Pro; replaces threonine 750 with proline.
Molecular consequence: missense variant. On other transcripts: non-coding transcript variant (5), intron variant (2).
Genome position (GRCh38, 1-based): chr2:47,800,231, A>C. VCF-style: chr2-47800231-A-C. GRCh37 (hg19) VCF-style: chr2-48027370-A-C.
Other names: c.1723A>C, p.Thr575Pro (NM_001406799.1, NM_001406806.1, NM_001406807.1); c.2248A>C, p.Thr750Pro (NM_001406800.1, NM_001406803.1, NM_001406796.1 and 3 more transcripts); c.1951A>C, p.Thr651Pro (NM_001406801.1, NM_001406805.1, NM_001406797.1 and 10 more transcripts); c.2170A>C, p.Thr724Pro (NM_001406804.1); c.2344A>C, p.Thr782Pro (NM_001406802.1, NM_001406795.1); c.1858A>C, p.Thr620Pro (NM_001281492.2); c.1342A>C, p.Thr448Pro (NM_001281493.2, NM_001281494.2, NM_001406811.1 and 6 more transcripts); c.2254A>C, p.Thr752Pro (NM_001406813.1); and 3 more; short protein forms T651P, T752P, T575P, T724P, T782P, T448P, T620P, T694P.
Identifiers: ClinVar variation 2453191 (VCV002453191.3), dbSNP rs2104396216, ClinGen allele CA346752643.

ClinVar aggregate classification (germline): Uncertain significance. Review status: criteria provided, multiple submitters, no conflicts (2 of 4 stars). 2 submissions from 2 submitters: Uncertain significance (2). Last evaluated 2023-12-13.

Conditions:
Lynch syndrome. Identifiers: Orphanet 144, MedGen C4552100, MONDO:0005835. Disease mechanism: loss of function.
Hereditary cancer-predisposing syndrome. Also called: Neoplastic Syndromes, Hereditary; Tumor predisposition; Hereditary neoplastic syndrome; Hereditary Cancer Syndrome. Identifiers: Orphanet 140162, MedGen C0027672, MeSH D009386, MONDO:0015356.

Submissions (2):

All of Us Research Program, National Institutes of Health
Classification: Uncertain significance for Lynch syndrome. Last evaluated: 2023-12-13. Review status: criteria provided, single submitter. Criteria: ACMG Guidelines, 2015. Collection method: clinical testing. Allele origin: germline. Inheritance: Autosomal dominant inheritance. Observed: 1 variant allele, 1 heterozygote.
Comment: This missense variant replaces threonine with proline at codon 750 of the MSH6 protein. Computational prediction is inconclusive regarding the impact of this variant on protein structure and function (internally defined REVEL score threshold 0.5 < inconclusive < 0.7, PMID: 27666373). To our knowledge, functional studies have not been reported for this variant. This variant has been reported in an individual affected with colorectal cancer who was reported to also carry a pathogenic variant in the MLH1 gene (PMID: 22495361). The tumor showed normal protein expression of MSH6 protein. This variant has not been identified in the general population by the Genome Aggregation Database (gnomAD). The available evidence is insufficient to determine the role of this variant in disease conclusively. Therefore, this variant is classified as a Variant of Uncertain Significance.

This study involves interpretation of variants in research participants for the purpose of population health screening. Participant phenotype was not available at the time of variant classification. Additional details can be found in publication PMID: 35346344, PMCID: PMC8962531

Ambry Genetics
Classification: Uncertain significance for Hereditary cancer-predisposing syndrome. Last evaluated: 2023-01-20. Review status: criteria provided, single submitter. Criteria: Ambry Variant Classification Scheme 2023. Collection method: clinical testing. Allele origin: germline.
Comment: The p.T750P variant (also known as c.2248A>C), located in coding exon 4 of the MSH6 gene, results from an A to C substitution at nucleotide position 2248. The threonine at codon 750 is replaced by proline, an amino acid with highly similar properties. This variant was identified in an individual with a pathogenic MLH1 mutation whose tumor showed loss of MLH1 by immunohistochemistry analysis; MSH6 staining was present (Okkels H et al. Appl Immunohistochem Mol Morphol, 2012 Oct;20:470-7).This amino acid position is well conserved in available vertebrate species. In addition, the in silico prediction for this alteration is inconclusive. Since supporting evidence is limited at this time, the clinical significance of this alteration remains unclear.

Literature cited by the submitters: PubMed 22495361 (cited by All of Us Research Program, National Institutes of Health and Ambry Genetics).